The following is an entry in ClinVar:

NM_182925.5(FLT4):c.2055C>A (p.Thr685=)

Gene: FLT4 (fms related receptor tyrosine kinase 4; minus strand). Cytogenetic location: 5q35.3.
Variant type: single nucleotide variant.
Coding change: c.2055C>A on transcript NM_182925.5 (MANE Select); coding-DNA position 2055, C replaced by A.
Protein change: p.Thr685=; no amino-acid change (threonine 685 retained).
Molecular consequence: synonymous variant.
Genome position (GRCh38, 1-based): chr5:180,621,218, G>T on the plus strand (C>A on the coding strand, the complement: FLT4 is on the minus strand). VCF-style: chr5-180621218-G-T. GRCh37 (hg19) VCF-style: chr5-180048218-G-T.
Other names: c.2055C>A (NM_182925.4); c.2055C>A, p.Thr685= (NM_001354989.2, NM_002020.5).
Identifiers: ClinVar variation 2656156 (VCV002656156.27), dbSNP rs146456244, ClinGen allele CA3606514.
Genomic context (GRCh38, chr5:180,621,218, plus strand): 5'-GTGCGCTCCGGCCACCAAGCACTGCATCTCCAGCGAGTCGCTCACGTTCACCAGGAGGTC[G>T]GTCAAGTTCTGCGTGAGCCGAGGGGCTTCCAGGGCTGGGGGCAGGGGTCGAGAGGGAGCT-3'
Protein context (NP_891555.2, residues 675-695): LEAPRLTQNL[Thr685=]DLLVNVSDSL

ClinVar aggregate classification (germline): Likely benign. Review status: criteria provided, multiple submitters, no conflicts (2 of 4 stars). 4 submissions from 4 submitters: Likely benign (4). Last evaluated 2026-07-01.

Conditions:
Inborn genetic diseases. Identifiers: MedGen C0950123, MeSH D030342.

Allele frequency attached by ClinVar (database versions not stated): ESP Exome Variant Server 0.00031; 1000 Genomes Project 0.00060; 1000 Genomes Project 30x 0.00062; ExAC 0.00072.

Submissions (4):

Ambry Genetics
Classification: Likely benign for Inborn genetic diseases. Last evaluated: 2026-07-01. Review status: criteria provided, single submitter. Criteria: Ambry Variant Classification Scheme 2023. Collection method: clinical testing. Allele origin: germline.

Blueprint Genetics
Classification: Likely benign. Last evaluated: 2024-11-18. Review status: criteria provided, single submitter. Criteria: ACMG Guidelines, 2015. Collection method: clinical testing. Allele origin: germline.

ARUP Laboratories, Molecular Genetics and Genomics, ARUP Laboratories
Classification: Likely benign. Last evaluated: 2024-11-13. Review status: criteria provided, single submitter. Criteria: ARUP Molecular Germline Variant Investigation Process 2024. Collection method: clinical testing. Allele origin: germline.

CeGaT Center for Human Genetics Tuebingen
Classification: Likely benign. Last evaluated: 2024-10-01. Review status: criteria provided, single submitter. Criteria: CeGaT Center For Human Genetics Tuebingen Variant Classification Criteria Version 2. Collection method: clinical testing. Allele origin: germline. Affected: yes. Observed: 2 variant alleles.
Comment: FLT4: BP4, BP7